The following is an entry in ClinVar:

ClinVar aggregate classification (germline): Likely pathogenic. Review status: criteria provided, multiple submitters, no conflicts (2 of 4 stars). 2 submissions from 2 submitters: Likely pathogenic (2). Last evaluated 2025-08-29.

Conditions:
Hypophosphatasia. Also called: Phosphoethanol-aminuria. Identifiers: Orphanet 436, MedGen C0020630, MeSH D007014, MONDO:0018570.

Submissions (2):

Genomenon, Inc
Classification: Likely pathogenic for Hypophosphatasia. Last evaluated: 2025-08-29. Review status: criteria provided, single submitter. Criteria: Genomenon Sequence Variant Interpretation Standards. Collection method: curation. Allele origin: germline. Affected: yes.
Comment: ALPL c.278C>T is a missense variant that changes the amino acid at residue 93 from Proline to Leucine. This variant has been observed in at least one proband affected with hypophosphatasia (PMID:33942288). It is absent or not present at a significant frequency in gnomAD. In silico models agree that this variant is possibly or probably damaging. The presence of pathogenic missense variant(s) at the same amino acid position indicates that this residue is likely important for protein function. In conclusion, we classify ALPL p.Pro93Leu (c.278C>T) as a likely pathogenic variant.

Labcorp Genetics (formerly Invitae), Labcorp
Classification: Likely pathogenic. Last evaluated: 2022-11-29. Review status: criteria provided, single submitter. Criteria: Invitae Variant Classification Sherloc (09022015). Collection method: clinical testing. Allele origin: germline.
Comment: In summary, the currently available evidence indicates that the variant is pathogenic, but additional data are needed to prove that conclusively. Therefore, this variant has been classified as Likely Pathogenic. This variant disrupts the p.Pro93 amino acid residue in ALPL. Other variant(s) that disrupt this residue have been determined to be pathogenic (PMID: 17409132). This suggests that this residue is clinically significant, and that variants that disrupt this residue are likely to be disease-causing. Advanced modeling of protein sequence and biophysical properties (such as structural, functional, and spatial information, amino acid conservation, physicochemical variation, residue mobility, and thermodynamic stability) performed at Invitae indicates that this missense variant is expected to disrupt ALPL protein function. This missense change has been observed in individual(s) with clinical features of ALPL-related conditions (PMID: 33942288). This variant is not present in population databases (gnomAD no frequency). This sequence change replaces proline, which is neutral and non-polar, with leucine, which is neutral and non-polar, at codon 93 of the ALPL protein (p.Pro93Leu).

Literature cited by the submitters: PubMed 33942288 (cited by Genomenon, Inc and Labcorp Genetics (formerly Invitae), Labcorp); PubMed 17409132 (cited by Labcorp Genetics (formerly Invitae), Labcorp).

NM_000478.6(ALPL):c.278C>T (p.Pro93Leu)

Gene: ALPL (alkaline phosphatase, biomineralization associated; plus strand). Cytogenetic location: 1p36.12.
Variant type: single nucleotide variant.
Coding change: c.278C>T on transcript NM_000478.6 (MANE Select); coding-DNA position 278, C replaced by T.
Protein change: p.Pro93Leu; replaces proline 93 with leucine.
Molecular consequence: missense variant. On other transcripts: intron variant (1).
Genome position (GRCh38, 1-based): chr1:21,561,193, C>T. VCF-style: chr1-21561193-C-T. GRCh37 (hg19) VCF-style: chr1-21887686-C-T.
Other names: c.278C>T, p.Pro93Leu (NM_001369803.2, NM_001369804.2, NM_001369805.2); c.66+448C>T (NM_001177520.3); c.113C>T, p.Pro38Leu (NM_001127501.4); short protein forms P38L, P93L.
Identifiers: ClinVar variation 2414632 (VCV002414632.7), dbSNP rs1187036876, ClinGen allele CA338878206.